The following is an entry in ClinVar:

NM_001277115.2(DNAH11):c.116_133dup (p.Glu44_Ala45insGluGluAsnGluGluGlu)

Gene: DNAH11 (dynein axonemal heavy chain 11; plus strand). Cytogenetic location: 7p15.3.
Variant type: Duplication.
Coding change: c.116_133dup on transcript NM_001277115.2 (MANE Select); coding-DNA positions 116 to 133, 18 bases duplicated (AGGAGAACGAGGAGGAGG).
Protein change: p.Glu44_Ala45insGluGluAsnGluGluGlu.
Molecular consequence: inframe insertion. On other transcripts: inframe indel (1).
Genome position (GRCh38, 1-based): chr7:21,543,361-21,543,378, AGGAGAACGAGGAGGAGG duplicated; duplicating any 18 consecutive bases within chr7:21,543,350-21,543,378 gives the same sequence; the c. name uses the placement nearest the transcript's 3' end. VCF-style (leftmost placement, unchanged base first): chr7-21543349-T-TCGAGGAGGAGGAGGAGAA. GRCh37 (hg19) VCF-style: chr7-21582967-T-TCGAGGAGGAGGAGGAGAA.
Other names: c.116_133dup, p.Glu44_Ala45insGluGluAsnGluGluGlu (NM_003777.3); c.116_133dup (NM_001277115.1).
Identifiers: ClinVar variation 1943235 (VCV001943235.3), dbSNP rs1409783994, ClinGen allele CA573292091.
Genomic context (GRCh38, chr7:21,543,349, plus strand): 5'-AAGCCCCGACCCTTCGCCTAACCTCGGGGGCCGGCCTGGAGGCAGTGGGCGCTGTGGAGC[T>TCGAGGAGGAGGAGGAGAA]CGAGGAGGAGGAGGAGAACGAGGAGGAGGCGGCGGCCAGGAGAGCGCGGAGTTTCGCCCA-3'

ClinVar aggregate classification (germline): Uncertain significance. Review status: criteria provided, multiple submitters, no conflicts (2 of 4 stars). 2 submissions from 2 submitters: Uncertain significance (2). Last evaluated 2024-05-20.

Conditions:
Primary ciliary dyskinesia. Also called: Ciliary dyskinesia. Identifiers: Orphanet 244, MedGen C0008780, MONDO:0016575, HP:0012265.

Submissions (2):

GeneDx
Classification: Uncertain significance. Last evaluated: 2024-05-20. Review status: criteria provided, single submitter. Criteria: GeneDx Variant Classification Process June 2021. Collection method: clinical testing. Allele origin: germline. Affected: yes.
Comment: Not observed at significant frequency in large population cohorts (gnomAD); In-frame duplication of 6 amino acids in a non-repeat region; Has not been previously published as pathogenic or benign to our knowledge

Labcorp Genetics (formerly Invitae), Labcorp
Classification: Uncertain significance for Primary ciliary dyskinesia. Last evaluated: 2022-06-16. Review status: criteria provided, single submitter. Criteria: Invitae Variant Classification Sherloc (09022015). Collection method: clinical testing. Allele origin: germline.
Comment: This variant, c.116_133dup, results in the insertion of 6 amino acid(s) of the DNAH11 protein (p.Glu39_Glu44dup), but otherwise preserves the integrity of the reading frame. This variant is present in population databases (no rsID available, gnomAD no frequency). This variant has not been reported in the literature in individuals affected with DNAH11-related conditions. In summary, the available evidence is currently insufficient to determine the role of this variant in disease. Therefore, it has been classified as a Variant of Uncertain Significance.